The following is an entry in ClinVar:

ClinVar aggregate classification (germline): Uncertain significance (1 of 4 stars; one submission).

Allele frequency attached by ClinVar (database versions not stated): ExAC 0.00001.

Submission:

Labcorp Genetics (formerly Invitae), Labcorp
Classification: Uncertain significance. Last evaluated: 2023-08-10. Review status: criteria provided, single submitter. Criteria: Invitae Variant Classification Sherloc (09022015). Collection method: clinical testing. Allele origin: germline.
Comment: In summary, the available evidence is currently insufficient to determine the role of this variant in disease. Therefore, it has been classified as a Variant of Uncertain Significance. Advanced modeling of protein sequence and biophysical properties (such as structural, functional, and spatial information, amino acid conservation, physicochemical variation, residue mobility, and thermodynamic stability) performed at Invitae indicates that this missense variant is not expected to disrupt HACE1 protein function. ClinVar contains an entry for this variant (Variation ID: 2015623). This variant has not been reported in the literature in individuals affected with HACE1-related conditions. This variant is not present in population databases (gnomAD no frequency). This sequence change replaces histidine, which is basic and polar, with tyrosine, which is neutral and polar, at codon 900 of the HACE1 protein (p.His900Tyr).

NM_020771.4(HACE1):c.2698C>T (p.His900Tyr)

Gene: HACE1 (HECT domain and ankyrin repeat containing E3 ubiquitin protein ligase 1; minus strand). Cytogenetic location: 6q16.3.
Variant type: single nucleotide variant.
Coding change: c.2698C>T on transcript NM_020771.4 (MANE Select); coding-DNA position 2698, C replaced by T.
Protein change: p.His900Tyr; replaces histidine 900 with tyrosine.
Molecular consequence: missense variant. On other transcripts: non-coding transcript variant (7).
Genome position (GRCh38, 1-based): chr6:104,729,694, G>A on the plus strand (C>T on the coding strand, the complement: HACE1 is on the minus strand). VCF-style: chr6-104729694-G-A. GRCh37 (hg19) VCF-style: chr6-105177569-G-A.
Other names: c.2566C>T, p.His856Tyr (NM_001321080.2); c.2596C>T, p.His866Tyr (NM_001321083.2); c.2194C>T, p.His732Tyr (NM_001321084.2, NM_001350557.2, NM_001350558.2); c.2464C>T, p.His822Tyr (NM_001350554.2); c.2407C>T, p.His803Tyr (NM_001350555.2); c.2212C>T, p.His738Tyr (NM_001350556.2); c.2116C>T, p.His706Tyr (NM_001350559.2); c.1915C>T, p.His639Tyr (NM_001350560.2); short protein forms H706Y, H822Y, H639Y, H738Y, H803Y, H856Y, H900Y, H732Y.
Identifiers: ClinVar variation 2015623 (VCV002015623.4), dbSNP rs756266267, ClinGen allele CA3939929.